The following is an entry in ClinVar:

ClinVar aggregate classification (germline): Benign/Likely benign. Review status: criteria provided, multiple submitters, no conflicts (2 of 4 stars). 7 submissions from 7 submitters: Benign (6); Likely benign (1). Last evaluated 2026-05-11.

Conditions:
Achondrogenesis, type IA (ACG1A). Identifiers: Orphanet 932, Orphanet 93299, MedGen C0265273, MONDO:0008701, OMIM 200600.
Connective tissue disorder. Also called: Connective tissue disease. Identifiers: MedGen C0009782, MONDO:0003900.

Allele frequency attached by ClinVar (database versions not stated): TOPMed 0.01507; 1000 Genomes Project 0.01857; gnomAD exomes 0.00344 and 0.00140; ExAC 0.00425; gnomAD 0.01332 and 0.01405; ESP Exome Variant Server 0.01376; 1000 Genomes Project 30x 0.01968.

Submissions (7):

Women's Health and Genetics/Laboratory Corporation of America, LabCorp
Classification: Likely benign. Last evaluated: 2026-05-11. Review status: criteria provided, single submitter. Criteria: LabCorp Variant Classification Summary - May 2015. Collection method: clinical testing. Allele origin: germline.

Labcorp Genetics (formerly Invitae), Labcorp
Classification: Benign for Achondrogenesis, type IA. Last evaluated: 2026-02-03. Review status: criteria provided, single submitter. Criteria: Invitae Variant Classification Sherloc (09022015). Collection method: clinical testing. Allele origin: germline.

ARUP Laboratories, Molecular Genetics and Genomics, ARUP Laboratories
Classification: Benign. Last evaluated: 2023-11-06. Review status: criteria provided, single submitter. Criteria: ARUP Molecular Germline Variant Investigation Process 2024. Collection method: clinical testing. Allele origin: germline.

Genome Diagnostics Laboratory, The Hospital for Sick Children
Classification: Benign for Connective tissue disorder. Last evaluated: 2021-11-01. Review status: criteria provided, single submitter. Criteria: ACMG Guidelines, 2015. Collection method: clinical testing. Allele origin: germline.

Illumina Laboratory Services, Illumina
Classification: Benign for Achondrogenesis, type IA. Last evaluated: 2018-01-13. Review status: criteria provided, single submitter. Criteria: ICSL Variant Classification Criteria 13 December 2019. Collection method: clinical testing. Allele origin: germline.
Comment: This variant was observed in the ICSL laboratory as part of a predisposition screen in an ostensibly healthy population. It had not been previously curated by ICSL or reported in the Human Gene Mutation Database (HGMD: prior to June 1st, 2018), and was therefore a candidate for classification through an automated scoring system. Utilizing variant allele frequency, disease prevalence and penetrance estimates, and inheritance mode, an automated score was calculated to assess if this variant is too frequent to cause the disease. Based on the score and internal cut-off values, a variant classified as benign is not then subjected to further curation. The score for this variant resulted in a classification of benign for this disease.

GeneDx
Classification: Benign. Last evaluated: 2016-10-31. Review status: criteria provided, single submitter. Criteria: GeneDx Variant Classification (06012015). Collection method: clinical testing. Allele origin: germline. Affected: yes.
Comment: This variant is considered likely benign or benign based on one or more of the following criteria: it is a conservative change, it occurs at a poorly conserved position in the protein, it is predicted to be benign by multiple in silico algorithms, and/or has population frequency not consistent with disease.

Breakthrough Genomics
Classification: Benign. Review status: criteria provided, single submitter. Criteria: ACMG Guidelines, 2015. Collection method: not provided. Allele origin: germline. Inheritance: Autosomal recessive inheritance. Affected: yes.

NM_004239.4(TRIP11):c.2651A>G (p.Asp884Gly)

Gene: TRIP11 (thyroid hormone receptor interactor 11; minus strand). Cytogenetic location: 14q32.12.
Variant type: single nucleotide variant.
Coding change: c.2651A>G on transcript NM_004239.4 (MANE Select); coding-DNA position 2651, A replaced by G.
Protein change: p.Asp884Gly; replaces aspartic acid 884 with glycine.
Molecular consequence: missense variant.
Genome position (GRCh38, 1-based): chr14:92,005,325, T>C on the plus strand (A>G on the coding strand, the complement: TRIP11 is on the minus strand). VCF-style: chr14-92005325-T-C. GRCh37 (hg19) VCF-style: chr14-92471669-T-C.
Other names: c.2648A>G, p.Asp883Gly (NM_001321851.1); short protein forms D884G, D883G.
Identifiers: ClinVar variation 314958 (VCV000314958.27), dbSNP rs34967261, ClinGen allele CA7313742.